The following is an entry in ClinVar:

NM_001163809.2(WDR81):c.5322G>T (p.Leu1774=)

Gene: WDR81 (WD repeat domain 81; plus strand). Cytogenetic location: 17p13.3.
Variant type: single nucleotide variant.
Coding change: c.5322G>T on transcript NM_001163809.2 (MANE Select); coding-DNA position 5322, G replaced by T.
Protein change: p.Leu1774=; no amino-acid change (leucine 1774 retained).
Molecular consequence: synonymous variant.
Genome position (GRCh38, 1-based): chr17:1,735,714, G>T. VCF-style: chr17-1735714-G-T. GRCh37 (hg19) VCF-style: chr17-1639008-G-T.
Other names: c.1713G>T, p.Leu571= (NM_001163673.2); c.1641G>T, p.Leu547= (NM_001163811.2); c.2169G>T, p.Leu723= (NM_152348.4).
Identifiers: ClinVar variation 3034435 (VCV003034435.2), dbSNP rs1029707493, ClinGen allele CA286803006.

ClinVar aggregate classification (germline): Likely benign (0 of 4 stars; one submission).

Conditions:
WDR81-related disorder. Also called: WDR81-related condition.

Allele frequency attached by ClinVar (database versions not stated): TOPMed 0.00002; gnomAD 0.00005; gnomAD exomes 0.00005.
gnomAD v4.1: 72 of 1,611,720 alleles (0.0045%); highest among the groups gnomAD compares: Non-Finnish European, 0.0056%; no homozygotes.

Submission:

PreventionGenetics, part of Exact Sciences
Classification: Likely benign for WDR81-related condition. Last evaluated: 2019-06-10. Review status: no assertion criteria provided. Collection method: clinical testing. Allele origin: germline.
Comment: This variant is classified as likely benign based on ACMG/AMP sequence variant interpretation guidelines (Richards et al. 2015 PMID: 25741868, with internal and published modifications).